The following is an entry in ClinVar:

ClinVar aggregate classification (germline): Likely benign. Review status: criteria provided, multiple submitters, no conflicts (2 of 4 stars). 2 submissions from 2 submitters: Likely benign (2). Last evaluated 2018-06-16.

Allele frequency attached by ClinVar (database versions not stated): 1000 Genomes Project 30x 0.00500; 1000 Genomes Project 0.00539; TOPMed 0.00977; gnomAD exomes 0.01210 and 0.01635; gnomAD 0.01252 and 0.01287; ExAC 0.01278; ESP Exome Variant Server 0.01386.
gnomAD v4.1: 23,841 of 1,501,008 alleles (1.6%); highest among the groups gnomAD compares: Non-Finnish European, 1.9%; 241 homozygotes.

Submissions (2):

GeneDx
Classification: Likely benign. Last evaluated: 2018-06-16. Review status: criteria provided, single submitter. Criteria: GeneDx Variant Classification (06012015). Collection method: clinical testing. Allele origin: germline. Affected: yes.
Comment: This variant is considered likely benign or benign based on one or more of the following criteria: it is a conservative change, it occurs at a poorly conserved position in the protein, it is predicted to be benign by multiple in silico algorithms, and/or has population frequency not consistent with disease.

Breakthrough Genomics
Classification: Likely benign. Review status: criteria provided, single submitter. Criteria: ACMG Guidelines, 2015. Collection method: not provided. Allele origin: germline. Inheritance: Autosomal recessive inheritance. Affected: yes.

NM_001267550.2(TTN):c.32096-37C>A

Gene: TTN (titin; minus strand). Cytogenetic location: 2q31.2.
Variant type: single nucleotide variant.
Coding change: c.32096-37C>A on transcript NM_001267550.2 (MANE Select); 37 bases into the intron before coding-DNA position 32096, C replaced by A.
Molecular consequence: intron variant.
Genome position (GRCh38, 1-based): chr2:178,688,815, G>T on the plus strand (C>A on the coding strand, the complement: TTN is on the minus strand). VCF-style: chr2-178688815-G-T. GRCh37 (hg19) VCF-style: chr2-179553542-G-T.
Other names: c.13283-46498C>A (NM_003319.4); c.13859-46498C>A (NM_133437.4); c.13658-46498C>A (NM_133432.3); c.28364-37C>A (NM_133378.4); c.31145-37C>A (NM_001256850.1).
Identifiers: ClinVar variation 673673 (VCV000673673.2), dbSNP rs72650027, ClinGen allele CA1998730.